The following is an entry in ClinVar:

ClinVar aggregate classification (germline): Uncertain significance (1 of 4 stars; one submission).

Allele frequency attached by ClinVar (database versions not stated): TOPMed below 0.00001; gnomAD 0.00001; ExAC 0.00002; gnomAD exomes 0.00002.
gnomAD v4.1: 28 of 1,614,064 alleles (0.0017%); highest among the groups gnomAD compares: South Asian, 0.014%; no homozygotes.

Submission:

Labcorp Genetics (formerly Invitae), Labcorp
Classification: Uncertain significance. Last evaluated: 2022-01-13. Review status: criteria provided, single submitter. Criteria: Invitae Variant Classification Sherloc (09022015). Collection method: clinical testing. Allele origin: germline.
Comment: This sequence change replaces asparagine, which is neutral and polar, with serine, which is neutral and polar, at codon 1516 of the MYO5B protein (p.Asn1516Ser). This variant is present in population databases (rs781717779, gnomAD 0.006%). This variant has not been reported in the literature in individuals affected with MYO5B-related conditions. Algorithms developed to predict the effect of missense changes on protein structure and function are either unavailable or do not agree on the potential impact of this missense change (SIFT: "Deleterious"; PolyPhen-2: "Probably Damaging"; Align-GVGD: "Class C0"). In summary, the available evidence is currently insufficient to determine the role of this variant in disease. Therefore, it has been classified as a Variant of Uncertain Significance.

NM_001080467.3(MYO5B):c.4547A>G (p.Asn1516Ser)

Genes: MYO5B (myosin VB; minus strand), SNHG22 (small nucleolar RNA host gene 22; plus strand). Cytogenetic location: 18q21.1.
Variant type: single nucleotide variant.
Coding change: c.4547A>G on transcript NM_001080467.3 (MANE Select); coding-DNA position 4547, A replaced by G.
Protein change: p.Asn1516Ser; replaces asparagine 1516 with serine.
Molecular consequence: missense variant.
Genome position (GRCh38, 1-based): chr18:49,843,305, T>C on the plus strand (A>G on the coding strand, the complement: MYO5B is on the minus strand). VCF-style: chr18-49843305-T-C. GRCh37 (hg19) VCF-style: chr18-47369675-T-C.
Other names: short protein forms N1516S.
Identifiers: ClinVar variation 1905482 (VCV001905482.2), dbSNP rs781717779, ClinGen allele CA8960316.